The following is an entry in ClinVar:

ClinVar aggregate classification (germline): Uncertain significance. Review status: criteria provided, multiple submitters, no conflicts (2 of 4 stars). 2 submissions from 2 submitters: Uncertain significance (2). Last evaluated 2024-12-14.

Conditions:
Inborn genetic diseases. Identifiers: MedGen C0950123, MeSH D030342.
Brachyolmia-amelogenesis imperfecta syndrome. Also called: PLATYSPONDYLY WITH AMELOGENESIS IMPERFECTA; Tooth agenesis, selective, 6; Dental anomalies and short stature. Identifiers: Orphanet 2899, MedGen C1832594, MONDO:0011018, OMIM 601216. Disease mechanism: loss of function.

Allele frequency attached by ClinVar (database versions not stated): gnomAD exomes below 0.00001; ExAC 0.00001.
gnomAD v4.1: 2 of 1,602,364 alleles (0.00012%); highest among the groups gnomAD compares: Non-Finnish European, 0.00017%; no homozygotes.

Submissions (2):

Ambry Genetics
Classification: Uncertain significance for Inborn genetic diseases. Last evaluated: 2024-12-14. Review status: criteria provided, single submitter. Criteria: Ambry Variant Classification Scheme 2023. Collection method: clinical testing. Allele origin: germline.
Comment: The p.A749G variant (also known as c.2246C>G), located in coding exon 16 of the LTBP3 gene, results from a C to G substitution at nucleotide position 2246. The alanine at codon 749 is replaced by glycine, an amino acid with similar properties. This amino acid position is conserved. In addition, this alteration is predicted to be tolerated by in silico analysis. Based on the available evidence, the clinical significance of this variant remains unclear.

Labcorp Genetics (formerly Invitae), Labcorp
Classification: Uncertain significance for Brachyolmia-amelogenesis imperfecta syndrome. Last evaluated: 2024-09-23. Review status: criteria provided, single submitter. Criteria: Invitae Variant Classification Sherloc (09022015). Collection method: clinical testing. Allele origin: germline.
Comment: This sequence change replaces alanine, which is neutral and non-polar, with glycine, which is neutral and non-polar, at codon 749 of the LTBP3 protein (p.Ala749Gly). This variant is present in population databases (rs756402873, gnomAD 0.001%). This variant has not been reported in the literature in individuals affected with LTBP3-related conditions. ClinVar contains an entry for this variant (Variation ID: 2171583). An algorithm developed to predict the effect of missense changes on protein structure and function (PolyPhen-2) suggests that this variant is likely to be tolerated. In summary, the available evidence is currently insufficient to determine the role of this variant in disease. Therefore, it has been classified as a Variant of Uncertain Significance.

NM_001130144.3(LTBP3):c.2246C>G (p.Ala749Gly)

Genes: LTBP3 (latent transforming growth factor beta binding protein 3; minus strand), LOC130006029 (ATAC-STARR-seq lymphoblastoid silent region 3532; plus strand). Cytogenetic location: 11q13.1.
Variant type: single nucleotide variant.
Coding change: c.2246C>G on transcript NM_001130144.3 (MANE Select); coding-DNA position 2246, C replaced by G.
Protein change: p.Ala749Gly; replaces alanine 749 with glycine.
Molecular consequence: missense variant.
Genome position (GRCh38, 1-based): chr11:65,546,549, G>C on the plus strand (C>G on the coding strand, the complement: LTBP3 is on the minus strand). VCF-style: chr11-65546549-G-C. GRCh37 (hg19) VCF-style: chr11-65314020-G-C.
Other names: c.1895C>G, p.Ala632Gly (NM_001164266.1); c.2246C>G, p.Ala749Gly (NM_021070.4); c.2246C>G (NM_001130144.2); short protein forms A632G, A749G.
Identifiers: ClinVar variation 2171583 (VCV002171583.5), dbSNP rs756402873, ClinGen allele CA6100670.